The following is an entry in ClinVar:

NM_015922.3(NSDHL):c.235C>T (p.Arg79Trp)

Gene: NSDHL (NAD(P) dependent 3-beta-hydroxysteroid dehydrogenase NSDHL; plus strand). Cytogenetic location: Xq28.
Variant type: single nucleotide variant.
Coding change: c.235C>T on transcript NM_015922.3 (MANE Select); coding-DNA position 235, C replaced by T.
Protein change: p.Arg79Trp; replaces arginine 79 with tryptophan.
Molecular consequence: missense variant.
Genome position (GRCh38, 1-based): chrX:152,850,391, C>T. VCF-style: chrX-152850391-C-T. GRCh37 (hg19) VCF-style: chrX-152018935-C-T.
Other names: c.235C>T, p.Arg79Trp (NM_001129765.2); short protein forms R79W.
Identifiers: ClinVar variation 2740709 (VCV002740709.3), dbSNP rs1933338041, ClinGen allele CA415284457.

ClinVar aggregate classification (germline): Uncertain significance (1 of 4 stars; one submission).

Allele frequency attached by ClinVar (database versions not stated): TOPMed below 0.00001; gnomAD exomes 0.00001.

Submission:

Labcorp Genetics (formerly Invitae), Labcorp
Classification: Uncertain significance. Last evaluated: 2024-09-14. Review status: criteria provided, single submitter. Criteria: Invitae Variant Classification Sherloc (09022015). Collection method: clinical testing. Allele origin: germline.
Comment: This sequence change replaces arginine, which is basic and polar, with tryptophan, which is neutral and slightly polar, at codon 79 of the NSDHL protein (p.Arg79Trp). This variant is not present in population databases (gnomAD no frequency). This variant has not been reported in the literature in individuals affected with NSDHL-related conditions. An algorithm developed to predict the effect of missense changes on protein structure and function (PolyPhen-2) suggests that this variant is likely to be disruptive. In summary, the available evidence is currently insufficient to determine the role of this variant in disease. Therefore, it has been classified as a Variant of Uncertain Significance.